The following is an entry in ClinVar:

ClinVar aggregate classification (germline): Conflicting classifications of pathogenicity. Review status: criteria provided, conflicting classifications (1 of 4 stars). 7 submissions from 7 submitters: Uncertain significance (3); Likely benign (1). 3 of the submissions do not count toward it. Last evaluated 2026-02-03.

Conditions:
Mucopolysaccharidosis type 1. Also called: IDUA deficiency; MPS I; Mucopolysaccharidosis Type I. Identifiers: Orphanet 579, MedGen C0023786, MONDO:0001586.
IDUA-related disorder. Also called: IDUA-related condition.

Allele frequency attached by ClinVar (database versions not stated): ExAC 0.00009; gnomAD exomes 0.00012 and 0.00029; ESP Exome Variant Server 0.00015; gnomAD 0.00016; TOPMed 0.00016.
gnomAD v4.1: 444 of 1,612,080 alleles (0.028%); highest among the groups gnomAD compares: Non-Finnish European, 0.035%; no homozygotes.

Submissions (7):

Labcorp Genetics (formerly Invitae), Labcorp
Classification: Likely benign for Mucopolysaccharidosis type 1. Last evaluated: 2026-02-03. Review status: criteria provided, single submitter. Criteria: Invitae Variant Classification Sherloc (09022015). Collection method: clinical testing. Allele origin: germline.

PreventionGenetics, part of Exact Sciences
Classification: Uncertain significance for IDUA-related condition. Last evaluated: 2025-08-13. Review status: criteria provided, single submitter. Criteria: ACMG Guidelines, 2015. Collection method: clinical testing. Allele origin: germline.
Comment: The IDUA c.365G>A variant is predicted to result in the amino acid substitution p.Arg122Lys. To our knowledge, this variant has not been reported in the literature. This variant is reported in 0.022% of alleles in individuals of European (Non-Finnish) descent in gnomAD. At this time, the clinical significance of this variant is uncertain due to the absence of conclusive functional and genetic evidence.

CeGaT Center for Human Genetics Tuebingen
Classification: Uncertain significance. Last evaluated: 2023-09-01. Review status: criteria provided, single submitter. Criteria: CeGaT Center For Human Genetics Tuebingen Variant Classification Criteria Version 2. Collection method: clinical testing. Allele origin: germline. Affected: yes. Observed: 1 variant allele.

Illumina Laboratory Services, Illumina
Classification: Uncertain significance for Mucopolysaccharidosis type 1. Last evaluated: 2018-01-12. Review status: criteria provided, single submitter. Criteria: ICSL Variant Classification Criteria 13 December 2019. Collection method: clinical testing. Allele origin: germline.

Natera, Inc.
Classification: Uncertain significance for Mucopolysaccharidosis type I. Last evaluated: 2020-09-16. Review status: no assertion criteria provided. Collection method: clinical testing. Allele origin: germline. Not counted in ClinVar's aggregate classification.

Joint Genome Diagnostic Labs from Nijmegen and Maastricht, Radboudumc and MUMC+
Classification: Likely benign. Review status: no assertion criteria provided. Collection method: clinical testing. Allele origin: germline. Affected: yes. Study: VKGL Data-share Consensus. Not counted in ClinVar's aggregate classification.

Laboratory of Diagnostic Genome Analysis, Leiden University Medical Center (LUMC)
Classification: Likely benign. Review status: no assertion criteria provided. Collection method: clinical testing. Allele origin: germline. Affected: yes. Study: VKGL Data-share Consensus. Not counted in ClinVar's aggregate classification.

NM_000203.5(IDUA):c.365G>A (p.Arg122Lys)

Gene: IDUA (alpha-L-iduronidase; plus strand). Cytogenetic location: 4p16.3.
Variant type: single nucleotide variant.
Coding change: c.365G>A on transcript NM_000203.5 (MANE Select); coding-DNA position 365, G replaced by A.
Protein change: p.Arg122Lys; replaces arginine 122 with lysine.
Molecular consequence: missense variant. On other transcripts: 5 prime UTR variant (1), non-coding transcript variant (1).
Genome position (GRCh38, 1-based): chr4:1,000,677, G>A. VCF-style: chr4-1000677-G-A. GRCh37 (hg19) VCF-style: chr4-994465-G-A.
Other names: c.-32G>A (NM_001363576.1); short protein forms R122K.
Identifiers: ClinVar variation 350221 (VCV000350221.46), dbSNP rs200237798, ClinGen allele CA2801884.